The following is an entry in ClinVar:

NM_001008537.3(NEXMIF):c.3229C>T (p.Pro1077Ser)

Gene: NEXMIF (neurite extension and migration factor; minus strand). Cytogenetic location: Xq13.3.
Variant type: single nucleotide variant.
Coding change: c.3229C>T on transcript NM_001008537.3 (MANE Select); coding-DNA position 3229, C replaced by T.
Protein change: p.Pro1077Ser; replaces proline 1077 with serine.
Molecular consequence: missense variant.
Genome position (GRCh38, 1-based): chrX:74,741,328, G>A on the plus strand (C>T on the coding strand, the complement: NEXMIF is on the minus strand). VCF-style: chrX-74741328-G-A. GRCh37 (hg19) VCF-style: chrX-73961163-G-A.
Other names: short protein forms P1077S.
Identifiers: ClinVar variation 1053100 (VCV001053100.9), dbSNP rs2147439624, ClinGen allele CA413666424.

ClinVar aggregate classification (germline): Uncertain significance (1 of 4 stars; one submission).

Submission:

Labcorp Genetics (formerly Invitae), Labcorp
Classification: Uncertain significance. Last evaluated: 2024-10-30. Review status: criteria provided, single submitter. Criteria: Invitae Variant Classification Sherloc (09022015). Collection method: clinical testing. Allele origin: germline.
Comment: This sequence change replaces proline, which is neutral and non-polar, with serine, which is neutral and polar, at codon 1077 of the NEXMIF protein (p.Pro1077Ser). This variant is not present in population databases (gnomAD no frequency). This variant has not been reported in the literature in individuals affected with NEXMIF-related conditions. ClinVar contains an entry for this variant (Variation ID: 1053100). An algorithm developed to predict the effect of missense changes on protein structure and function (PolyPhen-2) suggests that this variant is likely to be disruptive. In summary, the available evidence is currently insufficient to determine the role of this variant in disease. Therefore, it has been classified as a Variant of Uncertain Significance.